The following is an entry in ClinVar:

ClinVar aggregate classification (germline): Uncertain significance (1 of 4 stars; one submission).

Conditions:
Autosomal dominant nocturnal frontal lobe epilepsy 5. Also called: KCNT1-Related Epilepsy; Epilepsy, nocturnal frontal lobe, 5; CILIARY DYSKINESIA, PRIMARY, 28, WITHOUT SITUS INVERSUS; CILIARY DYSKINESIA, PRIMARY, 28, WITH SITUS INVERSUS. Identifiers: Orphanet 98784, MedGen C3554306, MONDO:0014002, OMIM 615005.
Developmental and epileptic encephalopathy, 14 (DEE14). Also called: Early infantile epileptic encephalopathy 14. Identifiers: Orphanet 293181, MedGen C3554195, MONDO:0013989, OMIM 614959.

Allele frequency attached by ClinVar (database versions not stated): gnomAD exomes below 0.00001 and 0.00001; gnomAD 0.00001; TOPMed 0.00001; ExAC 0.00002.
gnomAD v4.1: 6 of 1,613,218 alleles (0.00037%); highest among the groups gnomAD compares: African/African-American, 0.0013%; no homozygotes.

Submission:

Labcorp Genetics (formerly Invitae), Labcorp
Classification: Uncertain significance for Autosomal dominant nocturnal frontal lobe epilepsy 5; Developmental and epileptic encephalopathy, 14. Last evaluated: 2023-07-17. Review status: criteria provided, single submitter. Criteria: Invitae Variant Classification Sherloc (09022015). Collection method: clinical testing. Allele origin: germline.
Comment: This sequence change replaces arginine, which is basic and polar, with cysteine, which is neutral and slightly polar, at codon 365 of the KCNT1 protein (p.Arg365Cys). In summary, the available evidence is currently insufficient to determine the role of this variant in disease. Therefore, it has been classified as a Variant of Uncertain Significance. Advanced modeling of protein sequence and biophysical properties (such as structural, functional, and spatial information, amino acid conservation, physicochemical variation, residue mobility, and thermodynamic stability) has been performed at Invitae for this missense variant, however the output from this modeling did not meet the statistical confidence thresholds required to predict the impact of this variant on KCNT1 protein function. ClinVar contains an entry for this variant (Variation ID: 1469218). This variant has not been reported in the literature in individuals affected with KCNT1-related conditions. This variant is present in population databases (rs751116785, gnomAD 0.01%).

NM_020822.3(KCNT1):c.1093C>T (p.Arg365Cys)

Gene: KCNT1 (potassium sodium-activated channel subfamily T member 1; plus strand). Cytogenetic location: 9q34.3.
Variant type: single nucleotide variant.
Coding change: c.1093C>T on transcript NM_020822.3 (MANE Select); coding-DNA position 1093, C replaced by T.
Protein change: p.Arg365Cys; replaces arginine 365 with cysteine.
Molecular consequence: missense variant.
Genome position (GRCh38, 1-based): chr9:135,765,088, C>T. VCF-style: chr9-135765088-C-T. GRCh37 (hg19) VCF-style: chr9-138656934-C-T.
Other names: c.958C>T, p.Arg320Cys (NM_001272003.2); short protein forms R320C, R365C.
Identifiers: ClinVar variation 1469218 (VCV001469218.8), dbSNP rs751116785, ClinGen allele CA5326769.
Genomic context (GRCh38, chr9:135,765,088, plus strand): 5'-CAGTTCGAGGAGCTCGTCTACCTCTGGATGGAGCGGCAGAAGTCAGGGGGCAACTACAGC[C>T]GCCACCGTGCGCAGACGGAGAAGCACGTGGTCCTGTGTGTCAGCTCCCTCAAGATCGACC-3'
Protein context (NP_065873.2, residues 355-375): ERQKSGGNYS[Arg365Cys]HRAQTEKHVV